The following is an entry in ClinVar:

ClinVar aggregate classification (germline): Uncertain significance (1 of 4 stars; one submission).

Conditions:
Bethlem myopathy 1A. Also called: Bethlem Muscular Dystrophy; Bethlem myopathy 1; MYOPATHY, BENIGN CONGENITAL, WITH CONTRACTURES. Identifiers: Orphanet 610, MedGen CN029274, MONDO:0024530, OMIM 158810.

gnomAD v4.1: 1 of 1,614,188 alleles (0.000062%); highest among the groups gnomAD compares: Non-Finnish European, 0.000085%; no homozygotes.

Submission:

Labcorp Genetics (formerly Invitae), Labcorp
Classification: Uncertain significance for Bethlem myopathy 1A. Last evaluated: 2018-10-20. Review status: criteria provided, single submitter. Criteria: Invitae Variant Classification Sherloc (09022015). Collection method: clinical testing. Allele origin: germline.
Comment: This sequence change replaces cysteine with tyrosine at codon 2029 of the COL6A3 protein (p.Cys2029Tyr). The cysteine residue is highly conserved and there is a large physicochemical difference between cysteine and tyrosine. This variant is not present in population databases (ExAC no frequency). In summary, the available evidence is currently insufficient to determine the role of this variant in disease. Therefore, it has been classified as a Variant of Uncertain Significance. Algorithms developed to predict the effect of missense changes on protein structure and function are either unavailable or do not agree on the potential impact of this missense change (SIFT: "Tolerated"; PolyPhen-2: "Probably Damaging"; Align-GVGD: "Class C15"). This variant has not been reported in the literature in individuals with COL6A3-related disease.

NM_004369.4(COL6A3):c.6086G>A (p.Cys2029Tyr)

Gene: COL6A3 (collagen type VI alpha 3 chain; minus strand). Cytogenetic location: 2q37.3.
Variant type: single nucleotide variant.
Coding change: c.6086G>A on transcript NM_004369.4 (MANE Select); coding-DNA position 6086, G replaced by A.
Protein change: p.Cys2029Tyr; replaces cysteine 2029 with tyrosine.
Molecular consequence: missense variant.
Genome position (GRCh38, 1-based): chr2:237,361,809, C>T on the plus strand (G>A on the coding strand, the complement: COL6A3 is on the minus strand). VCF-style: chr2-237361809-C-T. GRCh37 (hg19) VCF-style: chr2-238270452-C-T.
Other names: c.4265G>A, p.Cys1422Tyr (NM_057166.5); c.5468G>A, p.Cys1823Tyr (NM_057167.4); short protein forms C1823Y, C2029Y, C1422Y.
Identifiers: ClinVar variation 661238 (VCV000661238.9), dbSNP rs758893173, ClinGen allele CA351217922.